The following is an entry in ClinVar:

NM_005228.5(EGFR):c.2839A>G (p.Met947Val)

Gene: EGFR (epidermal growth factor receptor; plus strand). Cytogenetic location: 7p11.2.
Variant type: single nucleotide variant.
Coding change: c.2839A>G on transcript NM_005228.5 (MANE Select); coding-DNA position 2839, A replaced by G.
Protein change: p.Met947Val; replaces methionine 947 with valine.
Molecular consequence: missense variant.
Genome position (GRCh38, 1-based): chr7:55,198,854, A>G. VCF-style: chr7-55198854-A-G. GRCh37 (hg19) VCF-style: chr7-55266547-A-G.
Other names: c.2839A>G (NM_005228.3); c.2704A>G, p.Met902Val (NM_001346897.2, NM_001346899.2); c.2839A>G, p.Met947Val (NM_001346898.2); c.2680A>G, p.Met894Val (NM_001346900.2); c.2038A>G, p.Met680Val (NM_001346941.2); short protein forms M680V, M902V, M894V, M947V.
Identifiers: ClinVar variation 1435585 (VCV001435585.9), dbSNP rs368698152, ClinGen allele CA4266184.
Genomic context (GRCh38, chr7:55,198,854, plus strand): 5'-CTGGAGAAAGGAGAACGCCTCCCTCAGCCACCCATATGTACCATCGATGTCTACATGATC[A>G]TGGTCAAGTGTGAGTGACTGGTGGGTCTGTCCACACTGCCTAGCTGAGCCTTGGTGGCTG-3'
Protein context (NP_005219.2, residues 937-957): PICTIDVYMI[Met947Val]VKCWMIDADS

ClinVar aggregate classification (germline): Uncertain significance. Review status: criteria provided, multiple submitters, no conflicts (2 of 4 stars). 2 submissions from 2 submitters: Uncertain significance (2). Last evaluated 2025-07-02.

Conditions:
Hereditary cancer-predisposing syndrome. Also called: Neoplastic Syndromes, Hereditary; Hereditary Cancer Syndrome; Hereditary neoplastic syndrome; Tumor predisposition. Identifiers: Orphanet 140162, MedGen C0027672, MeSH D009386, MONDO:0015356.
EGFR-related lung cancer (EGFR). Identifiers: MedGen CN130014.

Allele frequency attached by ClinVar (database versions not stated): gnomAD 0.00001; TOPMed 0.00001; ESP Exome Variant Server 0.00008.
gnomAD v4.1: 12 of 1,614,096 alleles (0.00074%); highest among the groups gnomAD compares: Non-Finnish European, 0.001%; no homozygotes.

Submissions (2):

Labcorp Genetics (formerly Invitae), Labcorp
Classification: Uncertain significance for EGFR-related lung cancer. Last evaluated: 2025-07-02. Review status: criteria provided, single submitter. Criteria: Invitae Variant Classification Sherloc (09022015). Collection method: clinical testing. Allele origin: germline.
Comment: This sequence change replaces methionine, which is neutral and non-polar, with valine, which is neutral and non-polar, at codon 947 of the EGFR protein (p.Met947Val). This variant is present in population databases (rs368698152, gnomAD 0.0009%). This variant has not been reported in the literature in individuals affected with EGFR-related conditions. ClinVar contains an entry for this variant (Variation ID: 1435585). Invitae Evidence Modeling of protein sequence and biophysical properties (such as structural, functional, and spatial information, amino acid conservation, physicochemical variation, residue mobility, and thermodynamic stability) indicates that this missense variant is expected to disrupt EGFR protein function with a positive predictive value of 80%. In summary, the available evidence is currently insufficient to determine the role of this variant in disease. Therefore, it has been classified as a Variant of Uncertain Significance.

Ambry Genetics
Classification: Uncertain significance for Hereditary cancer-predisposing syndrome. Last evaluated: 2025-01-17. Review status: criteria provided, single submitter. Criteria: Ambry Variant Classification Scheme 2023. Collection method: clinical testing. Allele origin: germline.
Comment: The p.M947V variant (also known as c.2839A>G), located in coding exon 23 of the EGFR gene, results from an A to G substitution at nucleotide position 2839. The methionine at codon 947 is replaced by valine, an amino acid with highly similar properties. This amino acid position is conserved. In addition, this alteration is predicted to be deleterious by in silico analysis. Based on the available evidence, the clinical significance of this variant remains unclear.